The following is an entry in ClinVar:

NM_001267550.2(TTN):c.34253_34277del (p.Leu11418fs)

Gene: TTN (titin; minus strand). Cytogenetic location: 2q31.2.
Variant type: Deletion.
Coding change: c.34253_34277del on transcript NM_001267550.2 (MANE Select); coding-DNA positions 34253 to 34277, 25 bases deleted (TTCCAGAAGTTAAACCTAAGGTGCC).
Protein change: p.Leu11418fs; shifts the reading frame from leucine 11418.
Molecular consequence: frameshift variant. On other transcripts: intron variant (3).
Genome position (GRCh38, 1-based): chr2:178,677,635-178,677,659, GGCACCTTAGGTTTAACTTCTGGAA deleted on the plus strand (TTCCAGAAGTTAAACCTAAGGTGCC on the coding strand, the reverse complement: TTN is on the minus strand); deleting any 25 consecutive bases within chr2:178,677,635-178,677,661 gives the same sequence; the c. name uses the placement nearest the transcript's 3' end. VCF-style (leftmost placement, unchanged base first): chr2-178677634-TGGCACCTTAGGTTTAACTTCTGGAA-T. GRCh37 (hg19) VCF-style: chr2-179542361-TGGCACCTTAGGTTTAACTTCTGGAA-T.
Other names: c.34253_34277delTTCCAGAAGTTAAACCTAAGGTGCC (NM_001267550.2); c.33302_33326del, p.Leu11101fs (NM_001256850.1); c.30521_30545del, p.Leu10174fs (NM_133378.4); c.13283-35342_13283-35318del (NM_003319.4); c.13859-35342_13859-35318del (NM_133437.4); c.13658-35342_13658-35318del (NM_133432.3); short protein forms L10174fs, L11101fs, L11418fs.
Identifiers: ClinVar variation 467038 (VCV000467038.14), dbSNP rs1373610867, ClinGen allele CA658657169.

ClinVar aggregate classification (germline): Conflicting classifications of pathogenicity. Review status: criteria provided, conflicting classifications (1 of 4 stars). 2 submissions from 2 submitters: Pathogenic (1); Uncertain significance (1). Last evaluated 2025-10-21.

Conditions:
Autosomal recessive limb-girdle muscular dystrophy type 2J (LGMDR10). Also called: Limb-girdle muscular dystrophy, type 2J; MUSCULAR DYSTROPHY, LIMB-GIRDLE, AUTOSOMAL RECESSIVE 10. Identifiers: Orphanet 140922, MedGen C1837342, MONDO:0012127, OMIM 608807.
Dilated cardiomyopathy 1G (CMD1G). Identifiers: Orphanet 154, MedGen C1858763, MONDO:0011400, OMIM 604145.
Congenital myopathy. Identifiers: Orphanet 97245, MedGen C0270960, MONDO:0019952.
Myopathy, myofibrillar, 9, with early respiratory failure (MFM9). Also called: EDSTROM MYOPATHY; MYOPATHY, PROXIMAL, WITH EARLY RESPIRATORY MUSCLE INVOLVEMENT; Hereditary myopathy with early respiratory failure; Myopathy, distal, with early respiratory failure, autosomal dominant. Identifiers: Orphanet 178464, Orphanet 34521, MedGen C1863599, MONDO:0011362, OMIM 603689.
Primary dilated cardiomyopathy (DCM). Also called: Dilated Cardiomyopathy. Identifiers: Orphanet 217604, MedGen C0007193, MeSH D002311, MONDO:0005021, HP:0001644. Inheritance: Various modes of inheritance.
Centronuclear myopathy (CNM). Also called: Centronuclear myopathy, congenital; Myotubular myopathy. Identifiers: Orphanet 595, MedGen C0175709, MONDO:0018947. Inheritance: All.
Tibial muscular dystrophy (TMD). Also called: UDD MYOPATHY; Tibial muscular dystrophy, tardive; Udd Distal Myopathy – Tibial Muscular Dystrophy. Identifiers: Orphanet 609, MedGen C1838244, MONDO:0010870, OMIM 600334.

Submissions (2):

Labcorp Genetics (formerly Invitae), Labcorp
Classification: Pathogenic for Dilated cardiomyopathy 1G; Autosomal recessive limb-girdle muscular dystrophy type 2J. Last evaluated: 2025-10-21. Review status: criteria provided, single submitter. Criteria: Invitae Variant Classification Sherloc (09022015). Collection method: clinical testing. Allele origin: germline.
Comment: This sequence change creates a premature translational stop signal (p.Leu11418Glnfs*42) in the TTN gene. While this is not anticipated to result in nonsense mediated decay, it is expected to create a truncated TTN protein. This variant is not present in population databases (gnomAD no frequency). This premature translational stop signal has been observed in individual(s) with clinical features of autosomal recessive TTN-related conditions (internal data). In at least one individual the data is consistent with being in trans (on the opposite chromosome) from a pathogenic variant. It has also been observed to segregate with disease in related individuals. ClinVar contains an entry for this variant (Variation ID: 467038). This variant is located in the I band of TTN (PMID: 25589632). Truncating variants in this region have been reported in individuals affected with autosomal recessive centronuclear myopathy (PMID: 23975875, internal data). Truncating variants in this region have also been identified in individuals affected with autosomal dominant dilated cardiomyopathy and/or cardio-related conditions (PMID: 27869827, 32964742, internal data). For these reasons, this variant has been classified as Pathogenic.

Cambridge Genomics Laboratory, East Genomic Laboratory Hub, NHS Genomic Medicine Service
Classification: Uncertain significance for Congenital myopathy. Last evaluated: 2019-04-17. Review status: criteria provided, single submitter. Criteria: ACGS Best Practice Guidelines for Variant Classification in Rare Disease 2020. Collection method: clinical testing. Allele origin: germline. Affected: yes. Observed: 1 variant allele.

Literature cited by the submitters: PubMed 25589632 (cited by Labcorp Genetics (formerly Invitae), Labcorp); PubMed 23975875 (cited by Labcorp Genetics (formerly Invitae), Labcorp); PubMed 27869827 (cited by Labcorp Genetics (formerly Invitae), Labcorp); PubMed 32964742 (cited by Labcorp Genetics (formerly Invitae), Labcorp).